The following is an entry in ClinVar:

ClinVar aggregate classification (germline): Likely pathogenic (1 of 4 stars; one submission).

Conditions:
Autosomal recessive polycystic kidney disease (ARPKD). Also called: AR polycystic kidney disease. Identifiers: Orphanet 731, Orphanet 8378, MedGen C0085548, MeSH D017044, MONDO:0009889.

Submission:

Natera, Inc.
Classification: Likely pathogenic for Autosomal recessive polycystic kidney disease. Last evaluated: 2024-04-16. Review status: criteria provided, single submitter. Criteria: Natera Variant Classification Schema (03/2026). Collection method: clinical testing. Allele origin: germline.
Comment: The c.6417_6420dupTACC variant in PKHD1 is a frameshift variant predicted to shift the reading frame beginning at codon 2141 and leads to a stop codon 8 codons downstream. This variant is expected to result in nonsense mediated decay, truncation, or a dysfunctional protein product. This variant is rare in the general population with a frequency below the threshold expected for the associated phenotype(s). Given the available evidence, this variant is classified as Likely Pathogenic.

NM_138694.4(PKHD1):c.6417_6420dup (p.Ile2141fs)

Gene: PKHD1 (PKHD1 ciliary IPT domain containing fibrocystin/polyductin; minus strand). Cytogenetic location: 6p12.2.
Variant type: Duplication.
Coding change: c.6417_6420dup on transcript NM_138694.4 (MANE Select); coding-DNA positions 6417 to 6420, 4 bases duplicated (TACC; older notation c.6417_6420dupTACC).
Protein change: p.Ile2141fs; shifts the reading frame from isoleucine 2141.
Molecular consequence: frameshift variant.
Genome position (GRCh38, 1-based): chr6:51,911,869-51,911,872, GGTA duplicated on the plus strand (TACC on the coding strand, the reverse complement: PKHD1 is on the minus strand). VCF-style (leftmost placement, unchanged base first): chr6-51911868-T-TGGTA. GRCh37 (hg19) VCF-style: chr6-51776666-T-TGGTA.
Other names: c.6417_6420dup, p.Ile2141fs (NM_170724.3); short protein forms I2141fs.
Identifiers: ClinVar variation 4816717 (VCV004816717.1).